The following is an entry in ClinVar:

NM_022836.4(DCLRE1B):c.617G>A (p.Arg206Gln)

Gene: DCLRE1B (DNA cross-link repair 1B; plus strand). Cytogenetic location: 1p13.2.
Variant type: single nucleotide variant.
Coding change: c.617G>A on transcript NM_022836.4 (MANE Select); coding-DNA position 617, G replaced by A.
Protein change: p.Arg206Gln; replaces arginine 206 with glutamine.
Molecular consequence: missense variant.
Genome position (GRCh38, 1-based): chr1:113,911,209, G>A. VCF-style: chr1-113911209-G-A. GRCh37 (hg19) VCF-style: chr1-114453831-G-A.
Other names: c.239G>A, p.Arg80Gln (NM_001319946.2, NM_001319947.2, NM_001363691.2); c.617G>A, p.Arg206Gln (NM_001363690.2); short protein forms R80Q, R206Q.
Identifiers: ClinVar variation 933562 (VCV000933562.9), dbSNP rs1401066315, ClinGen allele CA341701475.
Genomic context (GRCh38, chr1:113,911,209, plus strand): 5'-AGGAATCACTGCTGGAGCAGCTGGCCCTGGAGTTTCAGACCTGGGTGGTATTGAGTCCTC[G>A]GCGCCTGGAGTTGGTACAGCTACTGGGCCTGGCAGATGTGTTCACAGTGGAGGAGAAGGC-3'
Protein context (NP_073747.1, residues 196-216): EFQTWVVLSP[Arg206Gln]RLELVQLLGL

ClinVar aggregate classification (germline): Uncertain significance (1 of 4 stars; one submission).

Conditions:
Autosomal recessive dyskeratosis congenita. Identifiers: MedGen C3502105.
Hoyeraal-Hreidarsson syndrome (HHS). Also called: CEREBELLAR HYPOPLASIA WITH PANCYTOPENIA. Identifiers: Orphanet 3322, MedGen C1846142, MONDO:0018045.

Allele frequency attached by ClinVar (database versions not stated): gnomAD 0.00001; TOPMed 0.00001.

Submission:

Labcorp Genetics (formerly Invitae), Labcorp
Classification: Uncertain significance for Hoyeraal-Hreidarsson syndrome; Autosomal recessive dyskeratosis congenita. Last evaluated: 2022-10-25. Review status: criteria provided, single submitter. Criteria: Invitae Variant Classification Sherloc (09022015). Collection method: clinical testing. Allele origin: germline.
Comment: This sequence change replaces arginine, which is basic and polar, with glutamine, which is neutral and polar, at codon 206 of the DCLRE1B protein (p.Arg206Gln). This variant is not present in population databases (gnomAD no frequency). This variant has not been reported in the literature in individuals affected with DCLRE1B-related conditions. ClinVar contains an entry for this variant (Variation ID: 933562). Algorithms developed to predict the effect of missense changes on protein structure and function output the following: SIFT: "Tolerated"; PolyPhen-2: "Benign"; Align-GVGD: "Class C0". The glutamine amino acid residue is found in multiple mammalian species, which suggests that this missense change does not adversely affect protein function. In summary, the available evidence is currently insufficient to determine the role of this variant in disease. Therefore, it has been classified as a Variant of Uncertain Significance.